The following is an entry in ClinVar:

NM_005245.4(FAT1):c.7118A>G (p.Asp2373Gly)

Gene: FAT1 (FAT atypical cadherin 1; minus strand). Cytogenetic location: 4q35.2.
Variant type: single nucleotide variant.
Coding change: c.7118A>G on transcript NM_005245.4 (MANE Select); coding-DNA position 7118, A replaced by G.
Protein change: p.Asp2373Gly; replaces aspartic acid 2373 with glycine.
Molecular consequence: missense variant.
Genome position (GRCh38, 1-based): chr4:186,619,468, T>C on the plus strand (A>G on the coding strand, the complement: FAT1 is on the minus strand). VCF-style: chr4-186619468-T-C. GRCh37 (hg19) VCF-style: chr4-187540622-T-C.
Other names: p.Asp2373Gly; short protein forms D2373G.
Identifiers: ClinVar variation 2287151 (VCV002287151.9), dbSNP rs142890707, ClinGen allele CA3166120.
Genomic context (GRCh38, chr4:186,619,468, plus strand): 5'-TGTTGTTCAAAGAGTGGTGGATTATCATTGAGGTCGGTAACGTCCACCGTGACAATCACA[T>C]CACTGCTCAGCGTGGGCATACCACCATCAACTGCCCTCACAAAAATCGTGTGCTGCCGGG-3'
Protein context (NP_005236.2, residues 2363-2383): VDGGMPTLSS[Asp2373Gly]VIVTVDVTDL

ClinVar aggregate classification (germline): Conflicting classifications of pathogenicity. Review status: criteria provided, conflicting classifications (1 of 4 stars). 4 submissions from 4 submitters: Uncertain significance (2); Likely benign (1). 1 of the submissions does not count toward it. Last evaluated 2025-07-15.

Conditions:
FAT1-related disorder. Also called: FAT1-related condition.
Inborn genetic diseases. Identifiers: MedGen C0950123, MeSH D030342.

Allele frequency attached by ClinVar (database versions not stated): TOPMed 0.00059; 1000 Genomes Project 30x 0.00078; gnomAD 0.00044; 1000 Genomes Project 0.00060; ESP Exome Variant Server 0.00039; ExAC 0.00016.
gnomAD v4.1: 135 of 1,613,994 alleles (0.0084%); highest among the groups gnomAD compares: African/African-American, 0.17%; 1 homozygote.

Submissions (4):

Labcorp Genetics (formerly Invitae), Labcorp
Classification: Likely benign. Last evaluated: 2025-07-15. Review status: criteria provided, single submitter. Criteria: Invitae Variant Classification Sherloc (09022015). Collection method: clinical testing. Allele origin: germline.

Ambry Genetics
Classification: Uncertain significance for Inborn genetic diseases. Last evaluated: 2024-09-26. Review status: criteria provided, single submitter. Criteria: Ambry Variant Classification Scheme 2023. Collection method: clinical testing. Allele origin: germline.

Mayo Clinic Laboratories, Mayo Clinic
Classification: Uncertain significance. Last evaluated: 2024-01-16. Review status: criteria provided, single submitter. Criteria: ACMG Guidelines, 2015. Collection method: clinical testing. Allele origin: germline. Observed: 1 variant allele.
Comment: BS1

PreventionGenetics, part of Exact Sciences
Classification: Likely benign for FAT1-related condition. Last evaluated: 2023-04-04. Review status: no assertion criteria provided. Collection method: clinical testing. Allele origin: germline. Not counted in ClinVar's aggregate classification.
Comment: This variant is classified as likely benign based on ACMG/AMP sequence variant interpretation guidelines (Richards et al. 2015 PMID: 25741868, with internal and published modifications).